The following is an entry in ClinVar:

NM_000154.2(GALK1):c.166-1G>C

Gene: GALK1 (galactokinase 1; minus strand). Cytogenetic location: 17q25.1.
Variant type: single nucleotide variant.
Coding change: c.166-1G>C on transcript NM_000154.2 (MANE Select); the canonical splice acceptor site of the intron before coding-DNA position 166, G replaced by C.
Molecular consequence: splice acceptor variant.
Genome position (GRCh38, 1-based): chr17:75,764,087, C>G on the plus strand (G>C on the coding strand, the complement: GALK1 is on the minus strand). VCF-style: chr17-75764087-C-G. GRCh37 (hg19) VCF-style: chr17-73760168-C-G.
Other names: c.166-1G>C (NM_001381985.1).
Identifiers: ClinVar variation 1488858 (VCV001488858.10), dbSNP rs142772020, ClinGen allele CA8771033.
Genomic context (GRCh38, chr17:75,764,087, plus strand): 5'-GAGAGACACCAGCCCATCCTTGCGGGGGCTGCCCACCAGCACCGTCATGAGCTCCAGAGC[C>G]TGGCAGGAGAGACAAGCAGTACGTGAGGCTTCCGCCAGCTGGAGTAAGCCTCTCCAATGA-3'

ClinVar aggregate classification (germline): Likely pathogenic (1 of 4 stars; one submission).

Conditions:
Deficiency of galactokinase. Also called: GALACTOSEMIA II; Galactokinase deficiency with cataracts. Identifiers: Orphanet 352, Orphanet 79237, MedGen C0268155, MONDO:0009255, OMIM 230200.

Allele frequency attached by ClinVar (database versions not stated): TOPMed below 0.00001; gnomAD 0.00001; gnomAD exomes 0.00001; ExAC 0.00002; ESP Exome Variant Server 0.00008.
gnomAD v4.1: 2 of 1,574,560 alleles (0.00013%); highest among the groups gnomAD compares: African/African-American, 0.0027%; no homozygotes.

Submission:

Labcorp Genetics (formerly Invitae), Labcorp
Classification: Likely pathogenic for Deficiency of galactokinase. Last evaluated: 2021-02-21. Review status: criteria provided, single submitter. Criteria: Invitae Variant Classification Sherloc (09022015). Collection method: clinical testing. Allele origin: germline.
Comment: Algorithms developed to predict the effect of sequence changes on RNA splicing suggest that this variant may disrupt the consensus splice site, but this prediction has not been confirmed by published transcriptional studies. In summary, the currently available evidence indicates that the variant is pathogenic, but additional data are needed to prove that conclusively. Therefore, this variant has been classified as Likely Pathogenic. This variant has not been reported in the literature in individuals with GALK1-related conditions. This variant is present in population databases (rs142772020, ExAC 0.02%). This sequence change affects an acceptor splice site in intron 1 of the GALK1 gene. It is expected to disrupt RNA splicing. Variants that disrupt the donor or acceptor splice site typically lead to a loss of protein function (PMID: 16199547), and loss-of-function variants in GALK1 are known to be pathogenic (PMID: 7670469, 10790206).

Literature cited by the submitters: PubMed 16199547; PubMed 7670469; PubMed 10790206.